The following is an entry in ClinVar:

NM_018180.3(DHX32):c.71C>T (p.Ser24Phe)

Gene: DHX32 (DEAH-box helicase 32 (putative); minus strand). Cytogenetic location: 10q26.2.
Variant type: single nucleotide variant.
Coding change: c.71C>T on transcript NM_018180.3 (MANE Select); coding-DNA position 71, C replaced by T.
Protein change: p.Ser24Phe; replaces serine 24 with phenylalanine.
Molecular consequence: missense variant.
Genome position (GRCh38, 1-based): chr10:125,880,754, G>A on the plus strand (C>T on the coding strand, the complement: DHX32 is on the minus strand). VCF-style: chr10-125880754-G-A. GRCh37 (hg19) VCF-style: chr10-127569323-G-A.
Other names: short protein forms S24F.
Identifiers: ClinVar variation 1488502 (VCV001488502.6), dbSNP rs2134073731, ClinGen allele CA378669588.

ClinVar aggregate classification (germline): Uncertain significance (1 of 4 stars; one submission).

Allele frequency attached by ClinVar (database versions not stated): gnomAD exomes below 0.00001.
gnomAD v4.1: 2 of 1,614,156 alleles (0.00012%); highest among the groups gnomAD compares: Non-Finnish European, 0.00017%; no homozygotes.

Submission:

Labcorp Genetics (formerly Invitae), Labcorp
Classification: Uncertain significance. Last evaluated: 2022-03-09. Review status: criteria provided, single submitter. Criteria: Invitae Variant Classification Sherloc (09022015). Collection method: clinical testing. Allele origin: germline.
Comment: In summary, the available evidence is currently insufficient to determine the role of this variant in disease. Therefore, it has been classified as a Variant of Uncertain Significance. Algorithms developed to predict the effect of missense changes on protein structure and function are either unavailable or do not agree on the potential impact of this missense change (SIFT: "Deleterious"; PolyPhen-2: "Probably Damaging"; Align-GVGD: "Class C15"). This variant has not been reported in the literature in individuals affected with DHX32-related conditions. This variant is not present in population databases (gnomAD no frequency). This sequence change replaces serine, which is neutral and polar, with phenylalanine, which is neutral and non-polar, at codon 24 of the DHX32 protein (p.Ser24Phe).